The following is an entry in ClinVar:

ClinVar aggregate classification (germline): Benign (1 of 4 stars; one submission).

Allele frequency attached by ClinVar (database versions not stated): 1000 Genomes Project 0.00319; ExAC 0.00341; 1000 Genomes Project 30x 0.00344; gnomAD 0.00386; ESP Exome Variant Server 0.00400; TOPMed 0.00447; gnomAD exomes 0.00552.
gnomAD v4.1: 8,558 of 1,608,372 alleles (0.53%); highest among the groups gnomAD compares: Admixed American, 0.64%; 35 homozygotes.

Submissions (5):

CeGaT Center for Human Genetics Tuebingen
Classification: Benign. Last evaluated: 2022-08-01. Review status: criteria provided, single submitter. Criteria: CeGaT Center For Human Genetics Tuebingen Variant Classification Criteria Version 2. Collection method: clinical testing. Allele origin: germline. Affected: yes. Observed: 1 variant allele.
Comment: RABGAP1L: BS1, BS2

Dr. Peter K. Rogan Lab, Western University
No classification provided (evidence only). Condition: Hepatocellular carcinoma. Review status: no classification provided. Collection method: in vitro. Allele origin: not applicable. Functional consequence: retained intron. Not counted in ClinVar's aggregate classification.

Dr. Peter K. Rogan Lab, Western University
No classification provided (evidence only). Condition: Clear cell carcinoma of kidney. Review status: no classification provided. Collection method: in vitro. Allele origin: not applicable. Functional consequence: retained intron. Not counted in ClinVar's aggregate classification.

Dr. Peter K. Rogan Lab, Western University
No classification provided (evidence only). Condition: Melanoma. Review status: no classification provided. Collection method: in vitro. Allele origin: not applicable. Functional consequence: retained intron. Not counted in ClinVar's aggregate classification.

Dr. Peter K. Rogan Lab, Western University
No classification provided (evidence only). Condition: Hepatocellular carcinoma. Review status: no classification provided. Collection method: in vitro. Allele origin: not applicable. Functional consequence: retained intron. Not counted in ClinVar's aggregate classification.

NM_001366446.1(RABGAP1L):c.1800A>G (p.Gln600=)

Gene: RABGAP1L (RAB GTPase activating protein 1 like; plus strand). Cytogenetic location: 1q25.1.
Variant type: single nucleotide variant.
Coding change: c.1800A>G on transcript NM_001366446.1 (MANE Select); coding-DNA position 1800, A replaced by G.
Protein change: p.Gln600=; no amino-acid change (glutamine 600 retained).
Molecular consequence: synonymous variant. On other transcripts: non-coding transcript variant (1).
Genome position (GRCh38, 1-based): chr1:174,637,464, A>G. VCF-style: chr1-174637464-A-G. GRCh37 (hg19) VCF-style: chr1-174606602-A-G.
Other names: NC_000001.10:g.174606602A>G; c.1689A>G, p.Gln563= (NM_001366447.1); c.1800A>G, p.Gln600= (NM_001366448.1, NM_014857.5).
Identifiers: ClinVar variation 2639571 (VCV002639571.25), dbSNP rs61747504, ClinGen allele CA1252989.
Genomic context (GRCh38, chr1:174,637,464, plus strand): 5'-AGATATTCATCGTACATTTCCCGCACATGATTACTTTAAAGATACTGGAGGAGATGGTCA[A>G]GAATCGCTCTATAAGATCTGCAAGGTAGGACTCTCTTCCTCACTTTTTCTAAATTATTTT-3'
Protein context (NP_001353375.1, residues 590-610): DYFKDTGGDG[Gln600=]ESLYKICKAY